The following is an entry in ClinVar:

ClinVar aggregate classification (germline): Pathogenic (1 of 4 stars; one submission).

Conditions:
Familial cancer of breast. Also called: Hereditary breast cancer; hereditary breast carcinoma; BREAST CANCER, FAMILIAL. Identifiers: Orphanet 227535, MedGen C0346153, MONDO:0016419, OMIM 114480. Disease mechanism: loss of function.

Submission:

Labcorp Genetics (formerly Invitae), Labcorp
Classification: Pathogenic for Familial cancer of breast. Last evaluated: 2022-08-24. Review status: criteria provided, single submitter. Criteria: Invitae Variant Classification Sherloc (09022015). Collection method: clinical testing. Allele origin: germline.
Comment: This variant is a gross deletion of the genomic region encompassing exon(s) 4 of the BARD1 gene. This deletion is out-of-frame, and is expected to create a premature termination codon and result in an absent or disrupted protein product. Loss-of-function variants in BARD1 are known to be pathogenic (PMID: 20077502, 21344236). This variant has not been reported in the literature in individuals affected with BARD1-related conditions. For these reasons, this variant has been classified as Pathogenic.

Literature cited by the submitters: PubMed 20077502; PubMed 21344236.

NC_000002.11:g.(?_215645264)_(215646253_?)del

Gene: BARD1 (BRCA1 associated RING domain 1; minus strand). Cytogenetic location: 2q35.
Variant type: Deletion.
Identifiers: ClinVar variation 2423132 (VCV002423132.3).